The following is an entry in ClinVar:

NM_001458.5(FLNC):c.8066A>T (p.Asn2689Ile)

Genes: FLNC-AS1 (FLNC antisense RNA 1; minus strand), FLNC (filamin C; plus strand). Cytogenetic location: 7q32.1.
Variant type: single nucleotide variant.
Coding change: c.8066A>T on transcript NM_001458.5 (MANE Select); coding-DNA position 8066, A replaced by T.
Protein change: p.Asn2689Ile; replaces asparagine 2689 with isoleucine.
Molecular consequence: missense variant.
Genome position (GRCh38, 1-based): chr7:128,858,411, A>T. VCF-style: chr7-128858411-A-T. GRCh37 (hg19) VCF-style: chr7-128498465-A-T.
Other names: c.7967A>T, p.Asn2656Ile (NM_001127487.2); short protein forms N2689I, N2656I.
Identifiers: ClinVar variation 1761853 (VCV001761853.7), dbSNP rs2536673786, ClinGen allele CA369221539.

ClinVar aggregate classification (germline): Uncertain significance. Review status: criteria provided, multiple submitters, no conflicts (2 of 4 stars). 2 submissions from 2 submitters: Uncertain significance (2). Last evaluated 2022-07-08.

Conditions:
Hypertrophic cardiomyopathy 26. Also called: Cardiomyopathy, familial hypertrophic, 26. Identifiers: Orphanet 75249, MedGen C4310749, MONDO:0014883, OMIM 617047.
Distal myopathy with posterior leg and anterior hand involvement. Also called: WILLIAMS DISTAL MYOPATHY. Identifiers: Orphanet 63273, MedGen C3279722, MONDO:0013550, OMIM 614065.
Myofibrillar myopathy 5. Also called: Filaminopathy (type); FILAMINOPATHY, AUTOSOMAL DOMINANT. Identifiers: Orphanet 171445, MedGen C1836050, MONDO:0012289, OMIM 609524.
Cardiovascular phenotype. Identifiers: MedGen CN230736.

Submissions (2):

Labcorp Genetics (formerly Invitae), Labcorp
Classification: Uncertain significance for Distal myopathy with posterior leg and anterior hand involvement; Myofibrillar myopathy 5; Hypertrophic cardiomyopathy 26. Last evaluated: 2022-07-08. Review status: criteria provided, single submitter. Criteria: Invitae Variant Classification Sherloc (09022015). Collection method: clinical testing. Allele origin: germline.
Comment: This sequence change replaces asparagine, which is neutral and polar, with isoleucine, which is neutral and non-polar, at codon 2689 of the FLNC protein (p.Asn2689Ile). This variant is not present in population databases (gnomAD no frequency). This variant has not been reported in the literature in individuals affected with FLNC-related conditions. Algorithms developed to predict the effect of missense changes on protein structure and function are either unavailable or do not agree on the potential impact of this missense change (SIFT: "Deleterious"; PolyPhen-2: "Possibly Damaging"; Align-GVGD: "Class C0"). In summary, the available evidence is currently insufficient to determine the role of this variant in disease. Therefore, it has been classified as a Variant of Uncertain Significance.

Ambry Genetics
Classification: Uncertain significance for Cardiovascular phenotype. Last evaluated: 2022-05-30. Review status: criteria provided, single submitter. Criteria: Ambry Variant Classification Scheme 2023. Collection method: clinical testing. Allele origin: germline.
Comment: The p.N2689I variant (also known as c.8066A>T), located in coding exon 48 of the FLNC gene, results from an A to T substitution at nucleotide position 8066. The asparagine at codon 2689 is replaced by isoleucine, an amino acid with dissimilar properties. This amino acid position is conserved. In addition, the in silico prediction for this alteration is inconclusive. Since supporting evidence is limited at this time, the clinical significance of this alteration remains unclear.